The following is an entry in ClinVar:

NM_025219.3(DNAJC5):c.74A>G (p.Asn25Ser)

Gene: DNAJC5 (DnaJ heat shock protein family (Hsp40) member C5; plus strand). Cytogenetic location: 20q13.33.
Variant type: single nucleotide variant.
Coding change: c.74A>G on transcript NM_025219.3 (MANE Select); coding-DNA position 74, A replaced by G.
Protein change: p.Asn25Ser; replaces asparagine 25 with serine.
Molecular consequence: missense variant.
Genome position (GRCh38, 1-based): chr20:63,928,419, A>G. VCF-style: chr20-63928419-A-G. GRCh37 (hg19) VCF-style: chr20-62559772-A-G.
Other names: short protein forms N25S.
Identifiers: ClinVar variation 954839 (VCV000954839.9), dbSNP rs1348706291, ClinGen allele CA409715487.

ClinVar aggregate classification (germline): Uncertain significance (1 of 4 stars; one submission).

Conditions:
Neuronal ceroid lipofuscinosis. Also called: Neuronal Ceroid Lipofuscinoses. Identifiers: Orphanet 216, Orphanet 79263, MedGen C0027877, MONDO:0016295. Disease mechanism: loss of function.

Allele frequency attached by ClinVar (database versions not stated): TOPMed 0.00001.

Submission:

Labcorp Genetics (formerly Invitae), Labcorp
Classification: Uncertain significance for Neuronal ceroid lipofuscinosis. Last evaluated: 2019-11-13. Review status: criteria provided, single submitter. Criteria: Invitae Variant Classification Sherloc (09022015). Collection method: clinical testing. Allele origin: germline.
Comment: This sequence change replaces asparagine with serine at codon 25 of the DNAJC5 protein (p.Asn25Ser). The asparagine residue is moderately conserved and there is a small physicochemical difference between asparagine and serine. This variant is not present in population databases (ExAC no frequency). In summary, the available evidence is currently insufficient to determine the role of this variant in disease. Therefore, it has been classified as a Variant of Uncertain Significance. Algorithms developed to predict the effect of missense changes on protein structure and function (SIFT, PolyPhen-2, Align-GVGD) all suggest that this variant is likely to be tolerated, but these predictions have not been confirmed by published functional studies and their clinical significance is uncertain. This variant has not been reported in the literature in individuals with DNAJC5-related conditions.